The following is an entry in ClinVar:

ClinVar aggregate classification (germline): Likely benign. Review status: criteria provided, multiple submitters, no conflicts (2 of 4 stars). 5 submissions from 5 submitters: Likely benign (5). Last evaluated 2025-04-11.

Conditions:
Hereditary breast ovarian cancer syndrome. Also called: Hereditary breast and ovarian cancer syndrome; Hereditary breast and ovarian cancer; Hereditary breast and ovarian cancer syndrome (HBOC); Hereditary breast and/or ovarian cancer syndrome; Breast and ovarian cancer; BRCA1- and BRCA2-Associated Hereditary Breast and Ovarian Cancer. Identifiers: Orphanet 145, MedGen C0677776, MeSH D061325, MONDO:0003582. Disease mechanism: loss of function.
Breast-ovarian cancer, familial, susceptibility to, 2 (BROVCA2). Also called: BRCA2 Hereditary Breast and Ovarian Cancer. Identifiers: Orphanet 145, MedGen C2675520, MONDO:0012933, OMIM 612555. Disease mechanism: loss of function.
Hereditary cancer-predisposing syndrome. Also called: Neoplastic Syndromes, Hereditary; Hereditary Cancer Syndrome; Tumor predisposition; Hereditary neoplastic syndrome. Identifiers: Orphanet 140162, MedGen C0027672, MeSH D009386, MONDO:0015356.

Submissions (5):

Labcorp Genetics (formerly Invitae), Labcorp
Classification: Likely benign for Hereditary breast ovarian cancer syndrome. Last evaluated: 2025-04-11. Review status: criteria provided, single submitter. Criteria: Invitae Variant Classification Sherloc (09022015). Collection method: clinical testing. Allele origin: germline.

All of Us Research Program, National Institutes of Health
Classification: Likely benign for Breast-ovarian cancer, familial, susceptibility to, 2. Last evaluated: 2023-05-08. Review status: criteria provided, single submitter. Criteria: ACMG Guidelines, 2015. Collection method: clinical testing. Allele origin: germline. Inheritance: Autosomal dominant inheritance. Observed: 1 variant allele, 1 heterozygote.
Comment: This study involves interpretation of variants in research participants for the purpose of population health screening. Participant phenotype was not available at the time of variant classification. Additional details can be found in publication PMID: 35346344, PMCID: PMC8962531

Ambry Genetics
Classification: Likely benign for Hereditary cancer-predisposing syndrome. Last evaluated: 2021-09-23. Review status: criteria provided, single submitter. Criteria: Ambry Variant Classification Scheme 2023. Collection method: clinical testing. Allele origin: germline.

Women's Health and Genetics/Laboratory Corporation of America, LabCorp
Classification: Likely benign. Last evaluated: 2019-12-06. Review status: criteria provided, single submitter. Criteria: LabCorp Variant Classification Summary - May 2015. Collection method: clinical testing. Allele origin: germline.
Comment: Variant summary: BRCA2 c.489T>C alters a non-conserved nucleotide resulting in a synonymous change. 5/5 computational tools predict no significant impact on normal splicing. However, these predictions have yet to be confirmed by functional studies. The variant was absent in 251214 control chromosomes (gnomAD). The available data on variant occurrences in the general population are insufficient to allow any conclusion about variant significance. To our knowledge, no occurrence of c.489T>C in individuals affected with Hereditary Breast and Ovarian Cancer and no experimental evidence demonstrating its impact on protein function have been reported. No clinical diagnostic laboratories have submitted clinical-significance assessments for this variant to ClinVar after 2014. Based on the evidence outlined above, the variant was classified as likely benign.

Mendelics
Classification: Likely benign for Breast-ovarian cancer, familial, susceptibility to, 2. Last evaluated: 2019-05-28. Review status: criteria provided, single submitter. Criteria: Mendelics Assertion Criteria 2017. Collection method: clinical testing. Allele origin: unknown.

NM_000059.4(BRCA2):c.489T>C (p.Ser163=)

Gene: BRCA2 (BRCA2 DNA repair associated; plus strand). Cytogenetic location: 13q13.1.
Variant type: single nucleotide variant.
Coding change: c.489T>C on transcript NM_000059.4 (MANE Select); coding-DNA position 489, T replaced by C.
Protein change: p.Ser163=; no amino-acid change (serine 163 retained).
Molecular consequence: synonymous variant.
Genome position (GRCh38, 1-based): chr13:32,326,255, T>C. VCF-style: chr13-32326255-T-C. GRCh37 (hg19) VCF-style: chr13-32900392-T-C.
Identifiers: ClinVar variation 798830 (VCV000798830.15), dbSNP rs398122787, ClinGen allele CA483273741.